The following is an entry in ClinVar:

NM_001009999.3(KDM1A):c.2506C>T (p.His836Tyr)

Gene: KDM1A (lysine demethylase 1A; plus strand). Cytogenetic location: 1p36.12.
Variant type: single nucleotide variant.
Coding change: c.2506C>T on transcript NM_001009999.3 (MANE Select); coding-DNA position 2506, C replaced by T.
Protein change: p.His836Tyr; replaces histidine 836 with tyrosine.
Molecular consequence: missense variant. On other transcripts: 3 prime UTR variant (1).
Genome position (GRCh38, 1-based): chr1:23,083,239, C>T. VCF-style: chr1-23083239-C-T. GRCh37 (hg19) VCF-style: chr1-23409732-C-T.
Other names: c.2512C>T, p.His838Tyr (NM_001410762.1); c.*754C>T (NM_001410763.1); c.2434C>T, p.His812Tyr (NM_015013.4); c.2452C>T, p.His818Tyr (NM_001363654.2); short protein forms H812Y, H818Y, H836Y, H838Y.
Identifiers: ClinVar variation 5023095 (VCV005023095.1).

ClinVar aggregate classification (germline): Uncertain significance (1 of 4 stars; one submission).

Conditions:
Inborn genetic diseases. Identifiers: MedGen C0950123, MeSH D030342.

Submission:

Ambry Genetics
Classification: Uncertain significance for Inborn genetic diseases. Last evaluated: 2026-08-18. Review status: criteria provided, single submitter. Criteria: Ambry Variant Classification Scheme 2023. Collection method: clinical testing. Allele origin: germline.
Comment: The p.H836Y variant (also known as c.2506C>T), located in coding exon 21 of the KDM1A gene, results from a C to T substitution at nucleotide position 2506. The histidine at codon 836 is replaced by tyrosine, an amino acid with similar properties. This amino acid position is conserved. In addition, this alteration is predicted to be deleterious by in silico analysis. Based on the available evidence, the clinical significance of this variant remains unclear.